The following is an entry in ClinVar:

NM_000254.3(MTR):c.2395A>G (p.Asn799Asp)

Gene: MTR (5-methyltetrahydrofolate-homocysteine methyltransferase; plus strand). Cytogenetic location: 1q43.
Variant type: single nucleotide variant.
Coding change: c.2395A>G on transcript NM_000254.3 (MANE Select); coding-DNA position 2395, A replaced by G.
Protein change: p.Asn799Asp; replaces asparagine 799 with aspartic acid.
Molecular consequence: missense variant.
Genome position (GRCh38, 1-based): chr1:236,863,544, A>G. VCF-style: chr1-236863544-A-G. GRCh37 (hg19) VCF-style: chr1-237026844-A-G.
Other names: c.2242A>G, p.Asn748Asp (NM_001291939.1); c.1174A>G, p.Asn392Asp (NM_001291940.2); c.2395A>G, p.Asn799Asp (NM_001410942.1); short protein forms N748D, N392D, N799D.
Identifiers: ClinVar variation 2067234 (VCV002067234.4), dbSNP rs2528261032, ClinGen allele CA345379248.

ClinVar aggregate classification (germline): Uncertain significance (1 of 4 stars; one submission).

Conditions:
Methylcobalamin deficiency type cblG (HMAG). Also called: Functional methionine synthase deficiency type cblG; HOMOCYSTINURIA-MEGALOBLASTIC ANEMIA DUE TO DEFECT IN COBALAMIN METABOLISM, cblG COMPLEMENTATION TYPE; HOMOCYSTINURIA-MEGALOBLASTIC ANEMIA, cblG COMPLEMENTATION TYPE; HOMOCYSTINURIA-MEGALOBLASTIC ANEMIA, cblG TYPE. Identifiers: Orphanet 2170, Orphanet 622, MedGen C1855128, MONDO:0009609, OMIM 250940.

Allele frequency attached by ClinVar (database versions not stated): gnomAD exomes below 0.00001.
gnomAD v4.1: 1 of 1,614,020 alleles (0.000062%); no homozygotes.

Submission:

Labcorp Genetics (formerly Invitae), Labcorp
Classification: Uncertain significance for Methylcobalamin deficiency type cblG. Last evaluated: 2023-09-25. Review status: criteria provided, single submitter. Criteria: Invitae Variant Classification Sherloc (09022015). Collection method: clinical testing. Allele origin: germline.
Comment: In summary, the available evidence is currently insufficient to determine the role of this variant in disease. Therefore, it has been classified as a Variant of Uncertain Significance. Advanced modeling of protein sequence and biophysical properties (such as structural, functional, and spatial information, amino acid conservation, physicochemical variation, residue mobility, and thermodynamic stability) performed at Invitae indicates that this missense variant is expected to disrupt MTR protein function. ClinVar contains an entry for this variant (Variation ID: 2067234). This variant has not been reported in the literature in individuals affected with MTR-related conditions. This variant is not present in population databases (gnomAD no frequency). This sequence change replaces asparagine, which is neutral and polar, with aspartic acid, which is acidic and polar, at codon 799 of the MTR protein (p.Asn799Asp).